The following is an entry in ClinVar:

ClinVar aggregate classification (germline): Uncertain significance (1 of 4 stars; one submission).

Conditions:
Hyperphosphatasia with impaired intellectual development syndrome 2. Also called: Hyperphosphatasia with intellectual disability syndrome 2; GLYCOSYLPHOSPHATIDYLINOSITOL BIOSYNTHESIS DEFECT 6. Identifiers: Orphanet 247262, MedGen C3553637, MONDO:0013882, OMIM 614749.

Submission:

Labcorp Genetics (formerly Invitae), Labcorp
Classification: Uncertain significance for Hyperphosphatasia with impaired intellectual development syndrome 2. Last evaluated: 2018-01-02. Review status: criteria provided, single submitter. Criteria: Invitae Variant Classification Sherloc (09022015). Collection method: clinical testing. Allele origin: germline.
Comment: This variant has not been reported in the literature in individuals with PIGO-related disease. This variant is not present in population databases (ExAC no frequency). This sequence change replaces phenylalanine with valine at codon 100 of the PIGO protein (p.Phe100Val). The phenylalanine residue is moderately conserved and there is a small physicochemical difference between phenylalanine and valine. In summary, the available evidence is currently insufficient to determine the role of this variant in disease. Therefore, it has been classified as a Variant of Uncertain Significance. Algorithms developed to predict the effect of missense changes on protein structure and function do not agree on the potential impact of this missense change (SIFT: "Deleterious"; PolyPhen-2: "Benign"; Align-GVGD: "Class C15").

NM_032634.4(PIGO):c.298T>G (p.Phe100Val)

Gene: PIGO (phosphatidylinositol glycan anchor biosynthesis class O; minus strand). Cytogenetic location: 9p13.3.
Variant type: single nucleotide variant.
Coding change: c.298T>G on transcript NM_032634.4 (MANE Select); coding-DNA position 298, T replaced by G.
Protein change: p.Phe100Val; replaces phenylalanine 100 with valine.
Molecular consequence: missense variant.
Genome position (GRCh38, 1-based): chr9:35,095,268, A>C on the plus strand (T>G on the coding strand, the complement: PIGO is on the minus strand). VCF-style: chr9-35095268-A-C. GRCh37 (hg19) VCF-style: chr9-35095265-A-C.
Other names: c.298T>G, p.Phe100Val (NM_001201484.2, NM_152850.4); short protein forms F100V.
Identifiers: ClinVar variation 570227 (VCV000570227.8), dbSNP rs1564002038, ClinGen allele CA373324575.
Genomic context (GRCh38, chr9:35,095,268, plus strand): 5'-GCCGGGCATGGTGGGGCTGAATCTCCAGGATCCTCTGCAAGGAGCTTAGTTTGCCCAGGA[A>C]GGGTAGGGAGACAGGAGGCTCTCTAGGCACGTGTGAATGCTGGGGCTGGGCGAAGTCAAA-3'
Protein context (NP_116023.2, residues 90-110): VPREPPVSLP[Phe100Val]LGKLSSLQRI